The following is an entry in ClinVar:

ClinVar aggregate classification (germline): Uncertain significance. Review status: criteria provided, multiple submitters, no conflicts (2 of 4 stars). 2 submissions from 2 submitters: Uncertain significance (2). Last evaluated 2025-05-19.

Conditions:
Inborn genetic diseases. Identifiers: MedGen C0950123, MeSH D030342.

Submissions (2):

GeneDx
Classification: Uncertain significance. Last evaluated: 2025-05-19. Review status: criteria provided, single submitter. Criteria: GeneDx Variant Classification Process June 2021. Collection method: clinical testing. Allele origin: germline. Affected: yes.
Comment: Not observed at significant frequency in large population cohorts (gnomAD); In silico analysis suggests that this missense variant does not alter protein structure/function; Has not been previously published as pathogenic or benign to our knowledge

Ambry Genetics
Classification: Uncertain significance for Inborn genetic diseases. Last evaluated: 2024-08-28. Review status: criteria provided, single submitter. Criteria: Ambry Variant Classification Scheme 2023. Collection method: clinical testing. Allele origin: germline.

NM_031844.3(HNRNPU):c.1943G>A (p.Cys648Tyr)

Gene: HNRNPU (heterogeneous nuclear ribonucleoprotein U; minus strand). Cytogenetic location: 1q44.
Variant type: single nucleotide variant.
Coding change: c.1943G>A on transcript NM_031844.3 (MANE Select); coding-DNA position 1943, G replaced by A.
Protein change: p.Cys648Tyr; replaces cysteine 648 with tyrosine.
Molecular consequence: missense variant.
Genome position (GRCh38, 1-based): chr1:244,856,128, C>T on the plus strand (G>A on the coding strand, the complement: HNRNPU is on the minus strand). VCF-style: chr1-244856128-C-T. GRCh37 (hg19) VCF-style: chr1-245019430-C-T.
Other names: c.1886G>A, p.Cys629Tyr (NM_004501.3); short protein forms C629Y, C648Y.
Identifiers: ClinVar variation 3526129 (VCV003526129.2).